The following is an entry in ClinVar:

NM_022489.4(INF2):c.271C>T (p.Arg91Cys)

Gene: INF2 (inverted formin 2; plus strand). Cytogenetic location: 14q32.33.
Variant type: single nucleotide variant.
Coding change: c.271C>T on transcript NM_022489.4 (MANE Select); coding-DNA position 271, C replaced by T.
Protein change: p.Arg91Cys; replaces arginine 91 with cysteine.
Molecular consequence: missense variant.
Genome position (GRCh38, 1-based): chr14:104,701,636, C>T. VCF-style: chr14-104701636-C-T. GRCh37 (hg19) VCF-style: chr14-105167973-C-T.
Other names: c.271C>T, p.Arg91Cys (NM_001031714.4, NM_032714.3); short protein forms R91C.
Identifiers: ClinVar variation 1063428 (VCV001063428.9), dbSNP rs200247054, ClinGen allele CA267330500.
Genomic context (GRCh38, chr14:104,701,636, plus strand): 5'-CAGAGCGGCCTGGACCTGCTGCTGGAGGCGCTGGCGCGGCTGTCGGGCCGCGGCGTTGCA[C>T]GTATCTCCGACGCCCTGCTGCAGCTCACCTGCGTCAGCTGCGTGCGCGCCGTCATGAACT-3'
Protein context (NP_071934.3, residues 81-101): LARLSGRGVA[Arg91Cys]ISDALLQLTC

ClinVar aggregate classification (germline): Uncertain significance (1 of 4 stars; one submission).

Conditions:
Charcot-Marie-Tooth disease dominant intermediate E. Also called: CHARCOT-MARIE-TOOTH NEUROPATHY WITH FOCAL SEGMENTAL GLOMERULONEPHRITIS. Identifiers: Orphanet 93114, MedGen C4302667, MONDO:0013758, OMIM 614455.
Focal segmental glomerulosclerosis 5 (FSGS5). Identifiers: Orphanet 656, MedGen C2750475, MONDO:0013191, OMIM 613237.

Allele frequency attached by ClinVar (database versions not stated): gnomAD 0.00001; 1000 Genomes Project 0.00020; 1000 Genomes Project 30x 0.00031.

Submission:

Labcorp Genetics (formerly Invitae), Labcorp
Classification: Uncertain significance for Charcot-Marie-Tooth disease dominant intermediate E; Focal segmental glomerulosclerosis 5. Last evaluated: 2022-07-12. Review status: criteria provided, single submitter. Criteria: Invitae Variant Classification Sherloc (09022015). Collection method: clinical testing. Allele origin: germline.
Comment: This sequence change replaces arginine, which is basic and polar, with cysteine, which is neutral and slightly polar, at codon 91 of the INF2 protein (p.Arg91Cys). In summary, the available evidence is currently insufficient to determine the role of this variant in disease. Therefore, it has been classified as a Variant of Uncertain Significance. This variant disrupts the p.Arg91 amino acid residue in INF2. Other variant(s) that disrupt this residue have been determined to be pathogenic (PMID: 30680856; Invitae). This suggests that this residue is clinically significant, and that variants that disrupt this residue are likely to be disease-causing. Algorithms developed to predict the effect of missense changes on protein structure and function are either unavailable or do not agree on the potential impact of this missense change (SIFT: "Deleterious"; PolyPhen-2: "Probably Damaging"; Align-GVGD: "Class C15"). ClinVar contains an entry for this variant (Variation ID: 1063428). This variant has not been reported in the literature in individuals affected with INF2-related conditions. This variant is not present in population databases (gnomAD no frequency).

Literature cited by the submitters: PubMed 30680856.